The following is an entry in ClinVar:

NM_003738.5(PTCH2):c.3454A>G (p.Ser1152Gly)

Gene: PTCH2 (patched 2; minus strand). Cytogenetic location: 1p34.1.
Variant type: single nucleotide variant.
Coding change: c.3454A>G on transcript NM_003738.5 (MANE Select); coding-DNA position 3454, A replaced by G.
Protein change: p.Ser1152Gly; replaces serine 1152 with glycine.
Molecular consequence: missense variant. On other transcripts: intron variant (1).
Genome position (GRCh38, 1-based): chr1:44,822,573, T>C on the plus strand (A>G on the coding strand, the complement: PTCH2 is on the minus strand). VCF-style: chr1-44822573-T-C. GRCh37 (hg19) VCF-style: chr1-45288245-T-C.
Other names: c.3425+29A>G (NM_001166292.2); short protein forms S1152G.
Identifiers: ClinVar variation 1327063 (VCV001327063.1), dbSNP rs772146260, ClinGen allele CA822683.

ClinVar aggregate classification (germline): Uncertain significance (1 of 4 stars; one submission).

Conditions:
Gorlin syndrome. Also called: Nevoid Basal Cell Carcinoma Syndrome; Basal cell nevus syndrome. Identifiers: Orphanet 377, MedGen C0004779, MONDO:0007187.

Allele frequency attached by ClinVar (database versions not stated): gnomAD exomes below 0.00001 and 0.00001; ExAC 0.00001.
gnomAD v4.1: 11 of 1,614,010 alleles (0.00068%); highest among the groups gnomAD compares: Non-Finnish European, 0.00093%; no homozygotes.

Submission:

Baylor Genetics
Classification: Uncertain significance for Basal cell nevus syndrome 1. Last evaluated: 2021-05-31. Review status: criteria provided, single submitter. Criteria: ACMG Guidelines, 2015. Collection method: clinical testing. Allele origin: unknown. Affected: yes. Study: CSER-TexasKidsCanSeq.
Comment: This variant was determined to be of uncertain significance according to ACMG Guidelines, 2015 [PMID:25741868].